The following is an entry in ClinVar:

NM_000353.3(TAT):c.308_309delinsAA (p.Ser103Ter)

Gene: TAT (tyrosine aminotransferase; minus strand). Cytogenetic location: 16q22.2.
Variant type: Indel.
Coding change: c.308_309delinsAA on transcript NM_000353.3 (MANE Select); coding-DNA positions 308 to 309, CG replaced by AA.
Protein change: p.Ser103Ter; replaces serine 103 with a stop codon.
Molecular consequence: nonsense.
Genome position (GRCh38, 1-based): chr16:71,575,953-71,575,954, CG replaced by TT on the plus strand (CG replaced by AA on the coding strand, the reverse complement: TAT is on the minus strand). VCF-style: chr16-71575953-CG-TT. GRCh37 (hg19) VCF-style: chr16-71609856-CG-TT.
Other names: short protein forms S103*.
Identifiers: ClinVar variation 1422277 (VCV001422277.7), dbSNP rs2145235661, ClinGen allele CA2573152701.
Genomic context (GRCh38, chr16:71,575,953, plus strand): 5'-CCAGGTATGGAGTCTCAGGAGGAGCTTACCGATGGATGGGGCATAGCCATTATATTTGCC[CG>TT]AGTCCAGGGCATCTTTCATTGCCTGGGTAACTTCAGGGTCTGTAGGCAGGTTTCCAAACA-3'

ClinVar aggregate classification (germline): Pathogenic/Likely pathogenic. Review status: criteria provided, multiple submitters, no conflicts (2 of 4 stars). 2 submissions from 2 submitters: Pathogenic (1); Likely pathogenic (1). Last evaluated 2024-05-31.

Conditions:
Tyrosinemia type II (TYRSN2). Also called: KERATOSIS PALMOPLANTARIS WITH CORNEAL DYSTROPHY; OREGON TYPE TYROSINEMIA; TAT DEFICIENCY; TYROSINE AMINOTRANSFERASE DEFICIENCY; TYROSINE TRANSAMINASE DEFICIENCY. Identifiers: Orphanet 28378, MedGen C0268487, MONDO:0010160, OMIM 276600.

Submissions (2):

Fulgent Genetics
Classification: Likely pathogenic for Tyrosinemia type II. Last evaluated: 2024-05-31. Review status: criteria provided, single submitter. Criteria: ACMG Guidelines, 2015. Collection method: clinical testing. Allele origin: germline.

Labcorp Genetics (formerly Invitae), Labcorp
Classification: Pathogenic for Tyrosinemia type II. Last evaluated: 2021-08-11. Review status: criteria provided, single submitter. Criteria: Invitae Variant Classification Sherloc (09022015). Collection method: clinical testing. Allele origin: germline.
Comment: For these reasons, this variant has been classified as Pathogenic. This variant has not been reported in the literature in individuals affected with TAT-related conditions. The frequency data for this variant in the population databases is not available, as this variant may be reported as separate entries in the ExAC database. This sequence change creates a premature translational stop signal (p.Ser103*) in the TAT gene. It is expected to result in an absent or disrupted protein product. Loss-of-function variants in TAT are known to be pathogenic (PMID: 9544843).

Literature cited by the submitters: PubMed 9544843 (cited by Labcorp Genetics (formerly Invitae), Labcorp).